The following is an entry in ClinVar:

ClinVar aggregate classification (germline): Likely benign. Review status: criteria provided, multiple submitters, no conflicts (2 of 4 stars). 3 submissions from 3 submitters: Likely benign (3). Last evaluated 2025-08-30.

Conditions:
Melanoma, cutaneous malignant, susceptibility to, 5. Also called: Cutaneous malignant melanoma 5. Identifiers: Orphanet 618, MedGen C2751295, MONDO:0013133, OMIM 613099.

Allele frequency attached by ClinVar (database versions not stated): TOPMed 0.00002; ExAC 0.00003.
gnomAD v4.1: 26 of 1,608,066 alleles (0.0016%); highest among the groups gnomAD compares: Middle Eastern, 0.016%; no homozygotes.

Submissions (3):

Labcorp Genetics (formerly Invitae), Labcorp
Classification: Likely benign for Melanoma, cutaneous malignant, susceptibility to, 5. Last evaluated: 2025-08-30. Review status: criteria provided, single submitter. Criteria: Invitae Variant Classification Sherloc (09022015). Collection method: clinical testing. Allele origin: germline.

Ambry Genetics
Classification: Likely benign. Last evaluated: 2024-12-12. Review status: criteria provided, single submitter. Criteria: Ambry Variant Classification Scheme 2023. Collection method: clinical testing. Allele origin: germline.

Illumina Laboratory Services, Illumina
Classification: Likely benign for Melanoma, cutaneous malignant, susceptibility to, 5. Last evaluated: 2018-01-12. Review status: criteria provided, single submitter. Criteria: ICSL Variant Classification Criteria 13 December 2019. Collection method: clinical testing. Allele origin: germline.
Comment: This variant was observed in the ICSL laboratory as part of a predisposition screen in an ostensibly healthy population. It had not been previously curated by ICSL or reported in the Human Gene Mutation Database (HGMD: prior to June 1st, 2018), and was therefore a candidate for classification through an automated scoring system. Utilizing variant allele frequency, disease prevalence and penetrance estimates, and inheritance mode, an automated score was calculated to assess if this variant is too frequent to cause the disease. Based on the score and internal cut-off values, a variant classified as likely benign is not then subjected to further curation. The score for this variant resulted in a classification of likely benign for this disease.

NM_002386.4(MC1R):c.651C>T (p.His217=)

Gene: MC1R (melanocortin 1 receptor; plus strand). Cytogenetic location: 16q24.3.
Variant type: single nucleotide variant.
Coding change: c.651C>T on transcript NM_002386.4 (MANE Select); coding-DNA position 651, C replaced by T.
Protein change: p.His217=; no amino-acid change (histidine 217 retained).
Molecular consequence: synonymous variant.
Genome position (GRCh38, 1-based): chr16:89,919,909, C>T. VCF-style: chr16-89919909-C-T. GRCh37 (hg19) VCF-style: chr16-89986317-C-T.
Identifiers: ClinVar variation 321436 (VCV000321436.10), dbSNP rs756060136, ClinGen allele CA8255696.